The following is an entry in ClinVar:

NC_000005.9:g.(?_125930679)_(125930890_?)del

Gene: ALDH7A1 (aldehyde dehydrogenase 7 family member A1; minus strand). Cytogenetic location: 5q23.2.
Variant type: Deletion.
Identifiers: ClinVar variation 3246336 (VCV003246336.1).

ClinVar aggregate classification (germline): Pathogenic (1 of 4 stars; one submission).

Conditions:
Pyridoxine-dependent epilepsy (EPEO4). Also called: PYRIDOXINE DEPENDENCY WITH SEIZURES; Pyridoxine-Dependent Seizures; Pyridoxine-Dependent Epilepsy - ALDH7A1; EPILEPSY, EARLY-ONSET, 4, VITAMIN B6-DEPENDENT. Identifiers: Orphanet 3006, MedGen C1849508, MONDO:0009945, OMIM 266100. Disease mechanism: loss of function.

Submission:

Labcorp Genetics (formerly Invitae), Labcorp
Classification: Pathogenic for Pyridoxine-dependent epilepsy. Last evaluated: 2023-12-13. Review status: criteria provided, single submitter. Criteria: Invitae Variant Classification Sherloc (09022015). Collection method: clinical testing. Allele origin: unknown.
Comment: This variant is a gross deletion of the genomic region encompassing exon(s) 1 of the ALDH7A1 gene, which includes the initiator codon. This deletion extends beyond the assayed region for this gene and therefore may encompass additional genes. It is expected to result in an absent or disrupted protein product. Loss-of-function variants in ALDH7A1 are known to be pathogenic (PMID: 16491085, 20554659). A similar copy number variant has been observed in individual(s) with pyridoxine-dependent epilepsy (PMID: 31737911). For these reasons, this variant has been classified as Pathogenic.

Literature cited by the submitters: PubMed 16491085; PubMed 20554659; PubMed 31737911.